The following is an entry in ClinVar:

NM_001286.5(CLCN6):c.2378C>G (p.Thr793Arg)

Gene: CLCN6 (chloride voltage-gated channel 6; plus strand). Cytogenetic location: 1p36.22.
Variant type: single nucleotide variant.
Coding change: c.2378C>G on transcript NM_001286.5 (MANE Select); coding-DNA position 2378, C replaced by G.
Protein change: p.Thr793Arg; replaces threonine 793 with arginine.
Molecular consequence: missense variant. On other transcripts: non-coding transcript variant (1).
Genome position (GRCh38, 1-based): chr1:11,838,417, C>G. VCF-style: chr1-11838417-C-G. GRCh37 (hg19) VCF-style: chr1-11898474-C-G.
Other names: c.2312C>G, p.Thr771Arg (NM_001256959.2); c.2378C>G (NM_001286.2); short protein forms T771R, T793R.
Identifiers: ClinVar variation 1375161 (VCV001375161.7), dbSNP rs777164079, ClinGen allele CA18004732.

ClinVar aggregate classification (germline): Uncertain significance. Review status: criteria provided, multiple submitters, no conflicts (2 of 4 stars). 2 submissions from 2 submitters: Uncertain significance (2). Last evaluated 2026-01-04.

Allele frequency attached by ClinVar (database versions not stated): gnomAD 0.00009.
gnomAD v4.1: 19 of 1,614,038 alleles (0.0012%); highest among the groups gnomAD compares: Admixed American, 0.027%; no homozygotes.

Submissions (2):

Labcorp Genetics (formerly Invitae), Labcorp
Classification: Uncertain significance. Last evaluated: 2026-01-04. Review status: criteria provided, single submitter. Criteria: Invitae Variant Classification Sherloc (09022015). Collection method: clinical testing. Allele origin: germline.
Comment: This sequence change replaces threonine, which is neutral and polar, with arginine, which is basic and polar, at codon 793 of the CLCN6 protein (p.Thr793Arg). This variant is present in population databases (no rsID available, gnomAD 0.003%). This variant has not been reported in the literature in individuals affected with CLCN6-related conditions. ClinVar contains an entry for this variant (Variation ID: 1375161). An algorithm developed to predict the effect of missense changes on protein structure and function (PolyPhen-2) suggests that this variant is likely to be tolerated. In summary, the available evidence is currently insufficient to determine the role of this variant in disease. Therefore, it has been classified as a Variant of Uncertain Significance.

Ambry Genetics
Classification: Uncertain significance. Last evaluated: 2023-11-15. Review status: criteria provided, single submitter. Criteria: Ambry Variant Classification Scheme 2023. Collection method: clinical testing. Allele origin: germline.